The following is an entry in ClinVar:

ClinVar aggregate classification (germline): Conflicting classifications of pathogenicity. Review status: criteria provided, conflicting classifications (1 of 4 stars). 2 submissions from 2 submitters: Pathogenic (1); Uncertain significance (1). Last evaluated 2024-08-05.

Conditions:
Retinitis pigmentosa 10 (RP10). Identifiers: Orphanet 791, MedGen C1867299, MONDO:0008379, OMIM 180105.

Allele frequency attached by ClinVar (database versions not stated): TOPMed 0.00003.

Submissions (2):

Labcorp Genetics (formerly Invitae), Labcorp
Classification: Uncertain significance. Last evaluated: 2024-08-05. Review status: criteria provided, single submitter. Criteria: Invitae Variant Classification Sherloc (09022015). Collection method: clinical testing. Allele origin: germline.
Comment: This sequence change replaces glycine, which is neutral and non-polar, with alanine, which is neutral and non-polar, at codon 233 of the IMPDH1 protein (p.Gly233Ala). This variant is not present in population databases (gnomAD no frequency). This variant has not been reported in the literature in individuals affected with IMPDH1-related conditions. ClinVar contains an entry for this variant (Variation ID: 858742). An algorithm developed to predict the effect of missense changes on protein structure and function (PolyPhen-2) suggests that this variant is likely to be disruptive. In summary, the available evidence is currently insufficient to determine the role of this variant in disease. Therefore, it has been classified as a Variant of Uncertain Significance.

DBGen Ocular Genomics
Classification: Pathogenic for Retinitis pigmentosa 10. Last evaluated: 2022-01-01. Review status: criteria provided, single submitter. Criteria: ACMG Guidelines, 2015. Collection method: clinical testing. Allele origin: unknown. Inheritance: Autosomal dominant inheritance. Affected: yes.
Comment: Class 5 ACMG Guidelines, 2015

NM_000883.4(IMPDH1):c.698G>C (p.Gly233Ala)

Gene: IMPDH1 (inosine monophosphate dehydrogenase 1; minus strand). Cytogenetic location: 7q32.1.
Variant type: single nucleotide variant.
Coding change: c.698G>C on transcript NM_000883.4 (MANE Select); coding-DNA position 698, G replaced by C.
Protein change: p.Gly233Ala; replaces glycine 233 with alanine.
Molecular consequence: missense variant.
Genome position (GRCh38, 1-based): chr7:128,400,421, C>G on the plus strand (G>C on the coding strand, the complement: IMPDH1 is on the minus strand). VCF-style: chr7-128400421-C-G. GRCh37 (hg19) VCF-style: chr7-128040475-C-G.
Other names: c.668G>C, p.Gly223Ala (NM_001102605.2); c.443G>C, p.Gly148Ala (NM_001142573.2); c.428G>C, p.Gly143Ala (NM_001142574.2); c.368G>C, p.Gly123Ala (NM_001142575.2); c.599G>C, p.Gly200Ala (NM_001142576.2); c.491G>C, p.Gly164Ala (NM_001304521.2); c.590G>C, p.Gly197Ala (NM_183243.3); short protein forms G197A, G223A, G200A, G233A, G123A, G143A, G148A, G164A.
Identifiers: ClinVar variation 858742 (VCV000858742.13), dbSNP rs1272549405, ClinGen allele CA369173449.